The following is an entry in ClinVar:

NM_005720.4(ARPC1B):c.445G>T (p.Asp149Tyr)

Gene: ARPC1B (actin related protein 2/3 complex subunit 1B; plus strand). Cytogenetic location: 7q22.1.
Variant type: single nucleotide variant.
Coding change: c.445G>T on transcript NM_005720.4 (MANE Select); coding-DNA position 445, G replaced by T.
Protein change: p.Asp149Tyr; replaces aspartic acid 149 with tyrosine.
Molecular consequence: missense variant.
Genome position (GRCh38, 1-based): chr7:99,389,957, G>T. VCF-style: chr7-99389957-G-T. GRCh37 (hg19) VCF-style: chr7-98987580-G-T.
Other names: short protein forms D149Y.
Identifiers: ClinVar variation 731661 (VCV000731661.12), dbSNP rs143427534, ClinGen allele CA4364014.

ClinVar aggregate classification (germline): Conflicting classifications of pathogenicity. Review status: criteria provided, conflicting classifications (1 of 4 stars). 4 submissions from 4 submitters: Uncertain significance (1); Benign (2); Likely benign (1). Last evaluated 2026-02-01.

Conditions:
ARPC1B-related disorder. Also called: ARPC1B-related condition.

Allele frequency attached by ClinVar (database versions not stated): gnomAD 0.00032; TOPMed 0.00042; gnomAD exomes 0.00079; ESP Exome Variant Server 0.00085.
gnomAD v4.1: 950 of 1,614,036 alleles (0.059%); highest among the groups gnomAD compares: Non-Finnish European, 0.038%; 2 homozygotes.

Submissions (4):

Labcorp Genetics (formerly Invitae), Labcorp
Classification: Benign. Last evaluated: 2026-02-01. Review status: criteria provided, single submitter. Criteria: Invitae Variant Classification Sherloc (09022015). Collection method: clinical testing. Allele origin: germline.

PreventionGenetics, part of Exact Sciences
Classification: Likely benign for ARPC1B-related condition. Last evaluated: 2025-07-01. Review status: criteria provided, single submitter. Criteria: ACMG Guidelines, 2015. Collection method: clinical testing. Allele origin: germline.
Comment: This variant is classified as likely benign based on ACMG/AMP sequence variant interpretation guidelines (Richards et al. 2015 PMID: 25741868, with internal and published modifications).

Blueprint Genetics
Classification: Uncertain significance. Last evaluated: 2024-11-21. Review status: criteria provided, single submitter. Criteria: ACMG Guidelines, 2015. Collection method: clinical testing. Allele origin: germline.

Breakthrough Genomics
Classification: Benign. Review status: criteria provided, single submitter. Criteria: ACMG Guidelines, 2015. Collection method: not provided. Allele origin: germline. Inheritance: Autosomal recessive inheritance. Affected: yes.